The following is an entry in ClinVar:

NM_000322.5(PRPH2):c.824_825del (p.Leu274_Phe275insTer)

Gene: PRPH2 (peripherin 2; minus strand). Cytogenetic location: 6p21.1.
Variant type: Deletion.
Coding change: c.824_825del on transcript NM_000322.5 (MANE Select); coding-DNA positions 824 to 825, 2 bases deleted (TC; older notation c.824_825delTC).
Protein change: p.Leu274_Phe275insTer.
Molecular consequence: nonsense.
Genome position (GRCh38, 1-based): chr6:42,704,368-42,704,369, GA deleted on the plus strand (TC on the coding strand, the reverse complement: PRPH2 is on the minus strand). VCF-style (leftmost placement, unchanged base first): chr6-42704367-CGA-C. GRCh37 (hg19) VCF-style: chr6-42672105-CGA-C.
Other names: c.824_825del (NM_000322.4).
Identifiers: ClinVar variation 98712 (VCV000098712.2), dbSNP rs62645937, ClinGen allele CA226318.

ClinVar aggregate classification (germline): Pathogenic. Review status: no assertion criteria provided (0 of 4 stars). 2 submissions from 2 submitters: Pathogenic (1). 1 of the submissions does not count toward it. Last evaluated 2021-04-06.

Submissions (2):

Leiden Open Variation Database
Classification: Pathogenic. Last evaluated: 2021-04-06. Review status: no assertion criteria provided. Collection method: curation. Allele origin: germline. Affected: yes.
Comment: Curator: Global Variome, with Curator vacancy. Submitter to LOVD: Manon Peeters.

Retina International
No classification provided. Review status: no classification provided. Collection method: not provided. Allele origin: not provided. Not counted in ClinVar's aggregate classification.

Literature cited by the submitters: PubMed 9361310 (cited by Leiden Open Variation Database).